The following is an entry in ClinVar:

NM_032444.4(SLX4):c.1691T>C (p.Met564Thr)

Gene: SLX4 (SLX4 structure-specific endonuclease subunit; minus strand). Cytogenetic location: 16p13.3.
Variant type: single nucleotide variant.
Coding change: c.1691T>C on transcript NM_032444.4 (MANE Select); coding-DNA position 1691, T replaced by C.
Protein change: p.Met564Thr; replaces methionine 564 with threonine.
Molecular consequence: missense variant.
Genome position (GRCh38, 1-based): chr16:3,596,386, A>G on the plus strand (T>C on the coding strand, the complement: SLX4 is on the minus strand). VCF-style: chr16-3596386-A-G. GRCh37 (hg19) VCF-style: chr16-3646387-A-G.
Other names: c.1691T>C (NM_032444.2); short protein forms M564T.
Identifiers: ClinVar variation 1525039 (VCV001525039.8), dbSNP rs1315121473, ClinGen allele CA394527858.

ClinVar aggregate classification (germline): Conflicting classifications of pathogenicity. Review status: criteria provided, conflicting classifications (1 of 4 stars). 3 submissions from 3 submitters: Uncertain significance (2); Likely benign (1). Last evaluated 2025-10-02.

Conditions:
Inborn genetic diseases. Identifiers: MedGen C0950123, MeSH D030342.
Fanconi anemia (FA). Also called: Fanconi's anemia. Identifiers: Orphanet 84, MedGen C0015625, MeSH D005199, MONDO:0019391.

Allele frequency attached by ClinVar (database versions not stated): gnomAD 0.00001; TOPMed 0.00001.
gnomAD v4.1: 5 of 1,594,666 alleles (0.00031%); highest among the groups gnomAD compares: Admixed American, 0.0051%; no homozygotes.

Submissions (3):

Ambry Genetics
Classification: Likely benign for Inborn genetic diseases. Last evaluated: 2025-10-02. Review status: criteria provided, single submitter. Criteria: Ambry Variant Classification Scheme 2023. Collection method: clinical testing. Allele origin: germline.

Dasa
Classification: Uncertain significance. Last evaluated: 2025-05-12. Review status: criteria provided, single submitter. Criteria: DASA Assertion Criteria. Collection method: clinical testing. Allele origin: germline.
Comment: NM_032444.4(SLX4):c.1691T>C (p.Met564Thr) is a missense variant that results in the substitution of methionine with threonine. This variant is rare in population databases. Computational prediction algorithms are consistent with a benign effect. The currently available literature and clinical evidence are not sufficient to establish a definitive association between this variant and the reported condition. Therefore, this variant is classified as a variant of uncertain significance.

Labcorp Genetics (formerly Invitae), Labcorp
Classification: Uncertain significance for Fanconi anemia. Last evaluated: 2022-03-07. Review status: criteria provided, single submitter. Criteria: Invitae Variant Classification Sherloc (09022015). Collection method: clinical testing. Allele origin: germline.
Comment: This sequence change replaces methionine, which is neutral and non-polar, with threonine, which is neutral and polar, at codon 564 of the SLX4 protein (p.Met564Thr). This variant is not present in population databases (gnomAD no frequency). This variant has not been reported in the literature in individuals affected with SLX4-related conditions. Algorithms developed to predict the effect of missense changes on protein structure and function output the following: SIFT: "Tolerated"; PolyPhen-2: "Benign"; Align-GVGD: "Class C0". The threonine amino acid residue is found in multiple mammalian species, which suggests that this missense change does not adversely affect protein function. In summary, the available evidence is currently insufficient to determine the role of this variant in disease. Therefore, it has been classified as a Variant of Uncertain Significance.